The following is an entry in ClinVar:

ClinVar aggregate classification (germline): Uncertain significance (0 of 4 stars; one submission).

Conditions:
KCNJ5-related disorder. Also called: KCNJ5-related condition.

Submission:

PreventionGenetics, part of Exact Sciences
Classification: Uncertain significance for KCNJ5-related condition. Last evaluated: 2024-08-21. Review status: no assertion criteria provided. Collection method: clinical testing. Allele origin: germline.
Comment: The KCNJ5 c.275T>C variant is predicted to result in the amino acid substitution p.Val92Ala. To our knowledge, this variant has not been reported in the literature or in a large population database, indicating this variant is rare. At this time, the clinical significance of this variant is uncertain due to the absence of conclusive functional and genetic evidence.

NM_000890.5(KCNJ5):c.275T>C (p.Val92Ala)

Gene: KCNJ5 (potassium inwardly rectifying channel subfamily J member 5; plus strand). Cytogenetic location: 11q24.3.
Variant type: single nucleotide variant.
Coding change: c.275T>C on transcript NM_000890.5 (MANE Select); coding-DNA position 275, T replaced by C.
Protein change: p.Val92Ala; replaces valine 92 with alanine.
Molecular consequence: missense variant.
Genome position (GRCh38, 1-based): chr11:128,911,548, T>C. VCF-style: chr11-128911548-T-C. GRCh37 (hg19) VCF-style: chr11-128781443-T-C.
Other names: c.275T>C, p.Val92Ala (NM_001354169.2); short protein forms V92A.
Identifiers: ClinVar variation 3347496 (VCV003347496.1).
Genomic context (GRCh38, chr11:128,911,548, plus strand): 5'-GGTACCTGAGTGACCTCTTCACCACCCTGGTGGACCTCAAGTGGCGCTTCAACTTGCTCG[T>C]CTTCACCATGGTTTACACTGTCACCTGGCTGTTCTTCGGCTTCATTTGGTGGCTCATTGC-3'
Protein context (NP_000881.3, residues 82-102): VDLKWRFNLL[Val92Ala]FTMVYTVTWL